The following is an entry in ClinVar:

ClinVar aggregate classification (germline): not provided (0 of 4 stars; one submission).

Conditions:
Glaucoma 1, open angle, F (GLC1F). Identifiers: MedGen C1863926, OMIM 603383, MONDO:0011311.

Submission:

Casey Eye Institute Glaucoma Genetics Lab 
No classification provided. Condition: Glaucoma 1, open angle, F. Review status: no classification provided. Collection method: not provided. Allele origin: not provided.
Comment: test comment 1

NM_001142459.2(ASB10):c.515C>T (p.Ala172Val)

Gene: ASB10 (ankyrin repeat and SOCS box containing 10; minus strand). Cytogenetic location: 7q36.1.
Variant type: single nucleotide variant.
Coding change: c.515C>T on transcript NM_001142459.2 (MANE Select); coding-DNA position 515, C replaced by T.
Protein change: p.Ala172Val; replaces alanine 172 with valine.
Molecular consequence: missense variant.
Genome position (GRCh38, 1-based): chr7:151,186,461, G>A on the plus strand (C>T on the coding strand, the complement: ASB10 is on the minus strand). VCF-style: chr7-151186461-G-A. GRCh37 (hg19) VCF-style: chr7-150883548-G-A.
Other names: c.515C>T, p.Ala172Val (NM_001142460.1); c.470C>T, p.Ala157Val (NM_080871.4); short protein forms A157V, A172V.
Identifiers: ClinVar variation 99982 (VCV000099982.1), dbSNP rs151344604, ClinGen allele CA150541.